The following is an entry in ClinVar:

NM_144687.4(NLRP12):c.1743G>T (p.Trp581Cys)

Gene: NLRP12 (NLR family pyrin domain containing 12; minus strand). Cytogenetic location: 19q13.42.
Variant type: single nucleotide variant.
Coding change: c.1743G>T on transcript NM_144687.4 (MANE Select); coding-DNA position 1743, G replaced by T.
Protein change: p.Trp581Cys; replaces tryptophan 581 with cysteine.
Molecular consequence: missense variant.
Genome position (GRCh38, 1-based): chr19:53,809,916, C>A on the plus strand (G>T on the coding strand, the complement: NLRP12 is on the minus strand). VCF-style: chr19-53809916-C-A. GRCh37 (hg19) VCF-style: chr19-54313170-C-A.
Other names: c.1743G>T, p.Trp581Cys (NM_001277126.2, NM_001277129.1); short protein forms W581C.
Identifiers: ClinVar variation 1494341 (VCV001494341.6), dbSNP rs762543085, ClinGen allele CA407412764.

ClinVar aggregate classification (germline): Uncertain significance (1 of 4 stars; one submission).

Conditions:
Familial cold autoinflammatory syndrome 2 (FCAS2). Identifiers: Orphanet 247868, MedGen C2673198, MONDO:0012724, OMIM 611762.

Allele frequency attached by ClinVar (database versions not stated): TOPMed below 0.00001; gnomAD 0.00001.
gnomAD v4.1: 33 of 1,613,974 alleles (0.002%); highest among the groups gnomAD compares: Non-Finnish European, 0.0027%; no homozygotes.

Submission:

Labcorp Genetics (formerly Invitae), Labcorp
Classification: Uncertain significance for Familial cold autoinflammatory syndrome 2. Last evaluated: 2025-10-01. Review status: criteria provided, single submitter. Criteria: Invitae Variant Classification Sherloc (09022015). Collection method: clinical testing. Allele origin: germline.
Comment: This sequence change replaces tryptophan, which is neutral and slightly polar, with cysteine, which is neutral and slightly polar, at codon 581 of the NLRP12 protein (p.Trp581Cys). This variant is present in population databases (no rsID available, gnomAD 0.0009%). This variant has not been reported in the literature in individuals affected with NLRP12-related conditions. ClinVar contains an entry for this variant (Variation ID: 1494341). An algorithm developed to predict the effect of missense changes on protein structure and function outputs the following: PolyPhen-2: "Benign". The cysteine amino acid residue is found in multiple mammalian species, which suggests that this missense change does not adversely affect protein function. In summary, the available evidence is currently insufficient to determine the role of this variant in disease. Therefore, it has been classified as a Variant of Uncertain Significance.